The following is an entry in ClinVar:

ClinVar aggregate classification (germline): Uncertain significance. Review status: criteria provided, multiple submitters, no conflicts (2 of 4 stars). 2 submissions from 2 submitters: Uncertain significance (2). Last evaluated 2025-08-21.

Allele frequency attached by ClinVar (database versions not stated): ExAC 0.00001; gnomAD 0.00001; TOPMed 0.00002.
gnomAD v4.1: 15 of 1,614,046 alleles (0.00093%); highest among the groups gnomAD compares: Non-Finnish European, 0.0011%; no homozygotes.

Submissions (2):

Ambry Genetics
Classification: Uncertain significance. Last evaluated: 2025-08-21. Review status: criteria provided, single submitter. Criteria: Ambry Variant Classification Scheme 2023. Collection method: clinical testing. Allele origin: germline.

Labcorp Genetics (formerly Invitae), Labcorp
Classification: Uncertain significance. Last evaluated: 2023-04-30. Review status: criteria provided, single submitter. Criteria: Invitae Variant Classification Sherloc (09022015). Collection method: clinical testing. Allele origin: germline.
Comment: This variant is present in population databases (rs779405490, gnomAD 0.01%). This sequence change replaces threonine, which is neutral and polar, with proline, which is neutral and non-polar, at codon 385 of the GABRB1 protein (p.Thr385Pro). This variant has not been reported in the literature in individuals affected with GABRB1-related conditions. ClinVar contains an entry for this variant (Variation ID: 1951288). Advanced modeling of protein sequence and biophysical properties (such as structural, functional, and spatial information, amino acid conservation, physicochemical variation, residue mobility, and thermodynamic stability) performed at Invitae indicates that this missense variant is not expected to disrupt GABRB1 protein function. In summary, the available evidence is currently insufficient to determine the role of this variant in disease. Therefore, it has been classified as a Variant of Uncertain Significance.

NM_000812.4(GABRB1):c.1153A>C (p.Thr385Pro)

Gene: GABRB1 (gamma-aminobutyric acid type A receptor subunit beta1; plus strand). Cytogenetic location: 4p12.
Variant type: single nucleotide variant.
Coding change: c.1153A>C on transcript NM_000812.4 (MANE Select); coding-DNA position 1153, A replaced by C.
Protein change: p.Thr385Pro; replaces threonine 385 with proline.
Molecular consequence: missense variant.
Genome position (GRCh38, 1-based): chr4:47,425,746, A>C. VCF-style: chr4-47425746-A-C. GRCh37 (hg19) VCF-style: chr4-47427763-A-C.
Other names: c.1153A>C (NM_000812.3); short protein forms T385P.
Identifiers: ClinVar variation 1951288 (VCV001951288.6), dbSNP rs779405490, ClinGen allele CA2907767.